The following is an entry in ClinVar:

ClinVar aggregate classification (germline): Uncertain significance (1 of 4 stars; one submission).

Conditions:
Autosomal dominant nocturnal frontal lobe epilepsy 5. Also called: KCNT1-Related Epilepsy; CILIARY DYSKINESIA, PRIMARY, 28, WITHOUT SITUS INVERSUS; CILIARY DYSKINESIA, PRIMARY, 28, WITH SITUS INVERSUS; Epilepsy, nocturnal frontal lobe, 5. Identifiers: Orphanet 98784, MedGen C3554306, MONDO:0014002, OMIM 615005.
Developmental and epileptic encephalopathy, 14 (DEE14). Also called: Early infantile epileptic encephalopathy 14. Identifiers: Orphanet 293181, MedGen C3554195, MONDO:0013989, OMIM 614959.

Submission:

Labcorp Genetics (formerly Invitae), Labcorp
Classification: Uncertain significance for Autosomal dominant nocturnal frontal lobe epilepsy 5; Developmental and epileptic encephalopathy, 14. Last evaluated: 2024-03-13. Review status: criteria provided, single submitter. Criteria: Invitae Variant Classification Sherloc (09022015). Collection method: clinical testing. Allele origin: germline.
Comment: This sequence change replaces phenylalanine, which is neutral and non-polar, with leucine, which is neutral and non-polar, at codon 307 of the KCNT1 protein (p.Phe307Leu). This variant is not present in population databases (gnomAD no frequency). This variant has not been reported in the literature in individuals affected with KCNT1-related conditions. Advanced modeling of protein sequence and biophysical properties (such as structural, functional, and spatial information, amino acid conservation, physicochemical variation, residue mobility, and thermodynamic stability) performed at Invitae indicates that this missense variant is not expected to disrupt KCNT1 protein function with a negative predictive value of 80%. In summary, the available evidence is currently insufficient to determine the role of this variant in disease. Therefore, it has been classified as a Variant of Uncertain Significance.

NM_020822.3(KCNT1):c.921C>G (p.Phe307Leu)

Gene: KCNT1 (potassium sodium-activated channel subfamily T member 1; plus strand). Cytogenetic location: 9q34.3.
Variant type: single nucleotide variant.
Coding change: c.921C>G on transcript NM_020822.3 (MANE Select); coding-DNA position 921, C replaced by G.
Protein change: p.Phe307Leu; replaces phenylalanine 307 with leucine.
Molecular consequence: missense variant.
Genome position (GRCh38, 1-based): chr9:135,759,745, C>G. VCF-style: chr9-135759745-C-G. GRCh37 (hg19) VCF-style: chr9-138651591-C-G.
Other names: c.786C>G, p.Phe262Leu (NM_001272003.2); short protein forms F262L, F307L.
Identifiers: ClinVar variation 3755262 (VCV003755262.2).